The following is an entry in ClinVar:

NM_000153.4(GALC):c.621+5G>A

Gene: GALC (galactosylceramidase; minus strand). Cytogenetic location: 14q31.3.
Variant type: single nucleotide variant.
Coding change: c.621+5G>A on transcript NM_000153.4 (MANE Select); 5 bases into the intron after coding-DNA position 621, G replaced by A.
Molecular consequence: intron variant.
Genome position (GRCh38, 1-based): chr14:87,982,200, C>T on the plus strand (G>A on the coding strand, the complement: GALC is on the minus strand). VCF-style: chr14-87982200-C-T. GRCh37 (hg19) VCF-style: chr14-88448544-C-T.
Other names: c.543+5G>A (NM_001201402.2); c.552+5G>A (NM_001201401.2).
Identifiers: ClinVar variation 550678 (VCV000550678.4), dbSNP rs1555383306, ClinGen allele CA658823912.

ClinVar aggregate classification (germline): Likely pathogenic. Review status: criteria provided, multiple submitters, no conflicts (2 of 4 stars). 3 submissions from 3 submitters: Likely pathogenic (2). 1 of the submissions does not count toward it. Last evaluated 2025-09-02.

Conditions:
Galactosylceramide beta-galactosidase deficiency. Also called: Krabbe Disease; GALACTOCEREBROSIDASE DEFICIENCY; GALC DEFICIENCY; GLOBOID CELL LEUKOENCEPHALOPATHY; Leukodystrophy, Globoid Cell. Identifiers: Orphanet 487, MedGen C0023521, MONDO:0009499, OMIM 245200.

Submissions (3):

3billion
Classification: Likely pathogenic for Galactosylceramide beta-galactosidase deficiency. Last evaluated: 2025-09-02. Review status: criteria provided, single submitter. Criteria: ACMG Guidelines, 2015. Collection method: clinical testing. Allele origin: germline. Affected: yes.
Comment: The variant is not observed in the gnomAD v4.1.0 dataset. Predicted Consequence/Location: Intron variant: previously reported to result in an inframe deletion from an in vitro assay (PMID: 10464649). In silico tools predict the variant to alter splicing and produce an abnormal transcript [SpliceAI: 0.95 (spliceogenicity >=0.2, non-spliceogenicity <0.1)]. Intron variant: previously reported to result in an inframe deletion from an in vitro assay (PMID: 10464649). Therefore, this variant is classified as Likely pathogenic according to the recommendation of ACMG/AMP guideline.

Women's Health and Genetics/Laboratory Corporation of America, LabCorp
Classification: Likely pathogenic for Galactosylceramide beta-galactosidase deficiency. Last evaluated: 2023-12-06. Review status: criteria provided, single submitter. Criteria: LabCorp Variant Classification Summary - May 2015. Collection method: clinical testing. Allele origin: germline.
Comment: Variant summary: GALC c.621+5G>A alters a nucleotide located close to a canonical splice site and therefore could affect mRNA splicing, leading to a significantly altered protein sequence. Several computational tools predict a significant impact on normal splicing: One predict the variant abolishes a 5' splicing donor site. Two predict the variant weakens a 5' donor site. At least one publication reports experimental evidence that this variant results in skipping of exon 6 (Kukita_1997). The variant was absent in 244428 control chromosomes. c.621+5G>A has been reported in the literature in individuals affected with Krabbe Disease (Kukita_1997). The following publication have been ascertained in the context of this evaluation (PMID: 10464649). One submitter has cited clinical-significance assessments for this variant to ClinVar after 2014 and has classified the variant as likely pathogenic. Based on the evidence outlined above, the variant was classified as likely pathogenic.

Counsyl
Classification: Likely pathogenic for Galactosylceramide beta-galactosidase deficiency. Last evaluated: 2017-02-13. Review status: no assertion criteria provided. Collection method: clinical testing. Allele origin: unknown. Not counted in ClinVar's aggregate classification.

Literature cited by the submitters: PubMed 10464649 (cited by 3 submitters); PubMed 9272171 (cited by Counsyl); PubMed 24252386 (cited by Counsyl).